The following is an entry in ClinVar:

ClinVar aggregate classification (germline): Uncertain significance (1 of 4 stars; one submission).

Allele frequency attached by ClinVar (database versions not stated): gnomAD exomes below 0.00001; TOPMed 0.00001.
gnomAD v4.1: 2 of 1,549,776 alleles (0.00013%); highest among the groups gnomAD compares: Admixed American, 0.0022%; no homozygotes.

Submission:

Labcorp Genetics (formerly Invitae), Labcorp
Classification: Uncertain significance. Last evaluated: 2021-09-14. Review status: criteria provided, single submitter. Criteria: Invitae Variant Classification Sherloc (09022015). Collection method: clinical testing. Allele origin: germline.
Comment: This sequence change replaces glutamine with arginine at codon 302 of the SEC24D protein (p.Gln302Arg). The glutamine residue is highly conserved and there is a small physicochemical difference between glutamine and arginine. This variant is not present in population databases (ExAC no frequency). This variant has not been reported in the literature in individuals affected with SEC24D-related conditions. Algorithms developed to predict the effect of missense changes on protein structure and function are either unavailable or do not agree on the potential impact of this missense change (SIFT: "Not Available"; PolyPhen-2: "Possibly Damaging"; Align-GVGD: "Not Available"). In summary, the available evidence is currently insufficient to determine the role of this variant in disease. Therefore, it has been classified as a Variant of Uncertain Significance.

NM_014822.4(SEC24D):c.905A>G (p.Gln302Arg)

Gene: SEC24D (SEC24 homolog D, COPII coat complex component; minus strand). Cytogenetic location: 4q26.
Variant type: single nucleotide variant.
Coding change: c.905A>G on transcript NM_014822.4 (MANE Select); coding-DNA position 905, A replaced by G.
Protein change: p.Gln302Arg; replaces glutamine 302 with arginine.
Molecular consequence: missense variant.
Genome position (GRCh38, 1-based): chr4:118,805,851, T>C on the plus strand (A>G on the coding strand, the complement: SEC24D is on the minus strand). VCF-style: chr4-118805851-T-C. GRCh37 (hg19) VCF-style: chr4-119727006-T-C.
Other names: c.908A>G, p.Gln303Arg (NM_001318066.2); short protein forms Q303R, Q302R.
Identifiers: ClinVar variation 1416601 (VCV001416601.3), dbSNP rs1729652438, ClinGen allele CA358014854.